The following is an entry in ClinVar:

ClinVar aggregate classification (germline): Uncertain significance (1 of 4 stars; one submission).

Conditions:
Epileptic encephalopathy. Identifiers: MedGen C0543888, HP:0200134.

Submission:

Labcorp Genetics (formerly Invitae), Labcorp
Classification: Uncertain significance for Epileptic encephalopathy. Last evaluated: 2024-09-17. Review status: criteria provided, single submitter. Criteria: Invitae Variant Classification Sherloc (09022015). Collection method: clinical testing. Allele origin: germline.
Comment: This sequence change replaces serine, which is neutral and polar, with glycine, which is neutral and non-polar, at codon 682 of the GABBR2 protein (p.Ser682Gly). This variant is not present in population databases (gnomAD no frequency). This variant has not been reported in the literature in individuals affected with GABBR2-related conditions. Invitae Evidence Modeling of protein sequence and biophysical properties (such as structural, functional, and spatial information, amino acid conservation, physicochemical variation, residue mobility, and thermodynamic stability) indicates that this missense variant is not expected to disrupt GABBR2 protein function with a negative predictive value of 80%. In summary, the available evidence is currently insufficient to determine the role of this variant in disease. Therefore, it has been classified as a Variant of Uncertain Significance.

NM_005458.8(GABBR2):c.2044A>G (p.Ser682Gly)

Gene: GABBR2 (gamma-aminobutyric acid type B receptor subunit 2; minus strand). Cytogenetic location: 9q22.33.
Variant type: single nucleotide variant.
Coding change: c.2044A>G on transcript NM_005458.8 (MANE Select); coding-DNA position 2044, A replaced by G.
Protein change: p.Ser682Gly; replaces serine 682 with glycine.
Molecular consequence: missense variant.
Genome position (GRCh38, 1-based): chr9:98,306,306, T>C on the plus strand (A>G on the coding strand, the complement: GABBR2 is on the minus strand). VCF-style: chr9-98306306-T-C. GRCh37 (hg19) VCF-style: chr9-101068588-T-C.
Other names: short protein forms S682G.
Identifiers: ClinVar variation 3704604 (VCV003704604.2).